The following is an entry in ClinVar:

NM_000135.4(FANCA):c.3520T>C (p.Trp1174Arg)

Gene: FANCA (FA complementation group A; minus strand). Cytogenetic location: 16q24.3.
Variant type: single nucleotide variant.
Coding change: c.3520T>C on transcript NM_000135.4 (MANE Select); coding-DNA position 3520, T replaced by C.
Protein change: p.Trp1174Arg; replaces tryptophan 1174 with arginine.
Molecular consequence: missense variant.
Genome position (GRCh38, 1-based): chr16:89,745,065, A>G on the plus strand (T>C on the coding strand, the complement: FANCA is on the minus strand). VCF-style: chr16-89745065-A-G. GRCh37 (hg19) VCF-style: chr16-89811473-A-G.
Other names: c.3520T>C, p.Trp1174Arg (NM_001286167.3); short protein forms W1174R.
Identifiers: ClinVar variation 4022195 (VCV004022195.1).

ClinVar aggregate classification (germline): Uncertain significance (1 of 4 stars; one submission).

Conditions:
Inborn genetic diseases. Identifiers: MedGen C0950123, MeSH D030342.

Submission:

Ambry Genetics
Classification: Uncertain significance for Inborn genetic diseases. Last evaluated: 2025-04-17. Review status: criteria provided, single submitter. Criteria: Ambry Variant Classification Scheme 2023. Collection method: clinical testing. Allele origin: germline.
Comment: The p.W1174R variant (also known as c.3520T>C), located in coding exon 36 of the FANCA gene, results from a T to C substitution at nucleotide position 3520. The tryptophan at codon 1174 is replaced by arginine, an amino acid with dissimilar properties. This amino acid position is conserved. In addition, this alteration is predicted to be deleterious by in silico analysis. Based on the available evidence, the clinical significance of this variant remains unclear.